The following is an entry in ClinVar:

NM_000260.4(MYO7A):c.5727T>G (p.Pro1909=)

Gene: MYO7A (myosin VIIA; plus strand). Cytogenetic location: 11q13.5.
Variant type: single nucleotide variant.
Coding change: c.5727T>G on transcript NM_000260.4 (MANE Select); coding-DNA position 5727, T replaced by G.
Protein change: p.Pro1909=; no amino-acid change (proline 1909 retained).
Molecular consequence: synonymous variant.
Genome position (GRCh38, 1-based): chr11:77,206,187, T>G. VCF-style: chr11-77206187-T-G. GRCh37 (hg19) VCF-style: chr11-76917232-T-G.
Other names: c.5613T>G, p.Pro1871= (NM_001127180.2); c.5580T>G, p.Pro1860= (NM_001369365.1).
Identifiers: ClinVar variation 2642180 (VCV002642180.26), dbSNP rs2497719754, ClinGen allele CA475797266.

ClinVar aggregate classification (germline): Likely benign. Review status: criteria provided, multiple submitters, no conflicts (2 of 4 stars). 2 submissions from 2 submitters: Likely benign (2). Last evaluated 2024-02-23.

Submissions (2):

Labcorp Genetics (formerly Invitae), Labcorp
Classification: Likely benign. Last evaluated: 2024-02-23. Review status: criteria provided, single submitter. Criteria: Invitae Variant Classification Sherloc (09022015). Collection method: clinical testing. Allele origin: germline.

CeGaT Center for Human Genetics Tuebingen
Classification: Likely benign. Last evaluated: 2022-03-01. Review status: criteria provided, single submitter. Criteria: CeGaT Center For Human Genetics Tuebingen Variant Classification Criteria Version 2. Collection method: clinical testing. Allele origin: germline. Affected: yes. Observed: 1 variant allele.
Comment: MYO7A: PM2:Supporting, BP4, BP7